The following is an entry in ClinVar:

NM_000256.3(MYBPC3):c.1236dup (p.Glu413Ter)

Gene: MYBPC3 (myosin binding protein C3; minus strand). Cytogenetic location: 11p11.2.
Variant type: Duplication.
Coding change: c.1236dup on transcript NM_000256.3 (MANE Select); coding-DNA position 1236, one base duplicated (T; older notation c.1236dupT).
Protein change: p.Glu413Ter; replaces glutamic acid 413 with a stop codon.
Molecular consequence: nonsense.
Genome position (GRCh38, 1-based): chr11:47,343,136, A duplicated on the plus strand (T on the coding strand, the reverse complement: MYBPC3 is on the minus strand); the first of 3 consecutive A bases (chr11:47,343,136-47,343,138); duplicating any one gives the same sequence. VCF-style (leftmost placement, unchanged base first): chr11-47343135-C-CA. GRCh37 (hg19) VCF-style: chr11-47364686-C-CA.
Other names: c.1236dup, p.Glu413Ter (LRG_386t1); c.1236dupT (NM_000256.3); short protein forms E413*.
Identifiers: ClinVar variation 237422 (VCV000237422.9), dbSNP rs397515894, ClinGen allele CA10582919.
Genomic context (GRCh38, chr11:47,343,135, plus strand): 5'-CTGCGTCGTCCGCCAATGAGCACTGGCTGATGGTCAGGGTACGCTTGGCACCGATGGACT[C>CA]AAAGATGTACCTGGGTGGGGGCCGCAGGGAAGTGGCAGGAAAGCTGCGGACACCCCTCCG-3'

ClinVar aggregate classification (germline): Pathogenic. Review status: criteria provided, multiple submitters, no conflicts (2 of 4 stars). 2 submissions from 2 submitters: Pathogenic (2). Last evaluated 2018-06-27.

Conditions:
Cardiovascular phenotype. Identifiers: MedGen CN230736.
Hypertrophic cardiomyopathy. Also called: HYPERTROPHIC MYOCARDIOPATHY. Identifiers: Orphanet 217569, MedGen C0007194, MeSH D002312, MONDO:0005045, HP:0001639.

Submissions (2):

Ambry Genetics
Classification: Pathogenic for Cardiovascular phenotype. Last evaluated: 2018-06-27. Review status: criteria provided, single submitter. Criteria: Ambry Variant Classification Scheme 2023. Collection method: clinical testing. Allele origin: germline.
Comment: The c.1236dupT variant, located in coding exon 15 of the MYBPC3 gene, results from a duplication of T at nucleotide position 1236, causing a translational frameshift with a predicted alternate stop codon (p.E413*). This alteration has been reported in a hypertrophic cardiomyopathy (HCM) cohort (Bortot B et al. Diagn. Mol. Pathol., 2011 Sep;20:175-9). In addition to the clinical data presented in the literature, this alteration is expected to result in loss of function by premature protein truncation or nonsense-mediated mRNA decay. As such, this alteration is interpreted as a disease-causing mutation.

Labcorp Genetics (formerly Invitae), Labcorp
Classification: Pathogenic for Hypertrophic cardiomyopathy. Last evaluated: 2016-04-29. Review status: criteria provided, single submitter. Criteria: Invitae Variant Classification Sherloc (09022015). Collection method: clinical testing. Allele origin: germline.
Comment: For these reasons, this variant has been classified as Pathogenic. Truncating variants in MYBPC3 are known to be pathogenic (PMID: 19574547). This particular truncation has been reported in the literature in a patient with hypertrophic cardiomyopathy (PMID: 21817903). This sequence change inserts 1 nucleotide in exon 15 of the MYBPC3 mRNA (c.1236dupT), causing a frameshift at codon 413. This creates a premature translational stop signal (p.Glu413*) and is expected to result in an absent or disrupted protein product.

Literature cited by the submitters: PubMed 21817903 (cited by Ambry Genetics and Labcorp Genetics (formerly Invitae), Labcorp); PubMed 19574547 (cited by Labcorp Genetics (formerly Invitae), Labcorp).